The following is an entry in ClinVar:

NM_016213.5(TRIP4):c.36G>A (p.Leu12=)

Gene: TRIP4 (thyroid hormone receptor interactor 4; plus strand). Cytogenetic location: 15q22.31.
Variant type: single nucleotide variant.
Coding change: c.36G>A on transcript NM_016213.5 (MANE Select); coding-DNA position 36, G replaced by A.
Protein change: p.Leu12=; no amino-acid change (leucine 12 retained).
Molecular consequence: synonymous variant. On other transcripts: 5 prime UTR variant (1), non-coding transcript variant (1).
Genome position (GRCh38, 1-based): chr15:64,387,899, G>A. VCF-style: chr15-64387899-G-A. GRCh37 (hg19) VCF-style: chr15-64680098-G-A.
Other names: p.Leu12=; c.-739G>A (NM_001321924.2).
Identifiers: ClinVar variation 1223418 (VCV001223418.9), dbSNP rs371842357, ClinGen allele CA7609273.

ClinVar aggregate classification (germline): Likely benign. Review status: criteria provided, multiple submitters, no conflicts (2 of 4 stars). 3 submissions from 3 submitters: Likely benign (3). Last evaluated 2025-08-12.

Allele frequency attached by ClinVar (database versions not stated): ExAC 0.00005; gnomAD exomes 0.00005; ESP Exome Variant Server 0.00008; gnomAD 0.00010 and 0.00011; TOPMed 0.00011.
gnomAD v4.1: 194 of 1,549,874 alleles (0.013%); highest among the groups gnomAD compares: Non-Finnish European, 0.016%; no homozygotes.

Submissions (3):

Labcorp Genetics (formerly Invitae), Labcorp
Classification: Likely benign. Last evaluated: 2025-08-12. Review status: criteria provided, single submitter. Criteria: Invitae Variant Classification Sherloc (09022015). Collection method: clinical testing. Allele origin: germline.

Mayo Clinic Laboratories, Mayo Clinic
Classification: Likely benign. Last evaluated: 2025-03-26. Review status: criteria provided, single submitter. Criteria: ACMG Guidelines, 2015. Collection method: clinical testing. Allele origin: germline. Observed: 1 variant allele.
Comment: BP4, BP7

GeneDx
Classification: Likely benign. Last evaluated: 2019-03-27. Review status: criteria provided, single submitter. Criteria: GeneDx Variant Classification Process June 2021. Collection method: clinical testing. Allele origin: germline. Affected: yes.